The following is an entry in ClinVar:

NM_000071.3(CBS):c.1040-323G>A

Gene: CBS (cystathionine beta-synthase; minus strand). Cytogenetic location: 21q22.3.
Variant type: single nucleotide variant.
Coding change: c.1040-323G>A on transcript NM_000071.3 (MANE Select); 323 bases into the intron before coding-DNA position 1040, G replaced by A.
Molecular consequence: intron variant.
Genome position (GRCh38, 1-based): chr21:43,060,869, C>T on the plus strand (G>A on the coding strand, the complement: CBS is on the minus strand). VCF-style: chr21-43060869-C-T. GRCh37 (hg19) VCF-style: chr21-44480979-C-T.
Other names: c.1040-323G>A (NM_001320298.2, NM_001178009.3, NM_001178008.3); c.725-323G>A (NM_001321072.1).
Identifiers: ClinVar variation 668941 (VCV000668941.1), dbSNP rs76942167, ClinGen allele CA321690190.
Genomic context (GRCh38, chr21:43,060,869, plus strand): 5'-GCAGTGGGGCTGCGGCCCCTGGCAAACCTCCTGGCCCTGAGCCTAGAGCCAGCGATGCTA[C>T]GAGGACGGAGCCCCCAGCACCACGCCTGCAGGCTGCCTGACTGCACACTGGGCTCTGCTT-3'

ClinVar aggregate classification (germline): Benign (1 of 4 stars; one submission).

Allele frequency attached by ClinVar (database versions not stated): 1000 Genomes Project 0.02177; gnomAD 0.03721.

Submission:

GeneDx
Classification: Benign. Last evaluated: 2018-06-19. Review status: criteria provided, single submitter. Criteria: GeneDx Variant Classification (06012015). Collection method: clinical testing. Allele origin: germline. Affected: yes.
Comment: This variant is considered likely benign or benign based on one or more of the following criteria: it is a conservative change, it occurs at a poorly conserved position in the protein, it is predicted to be benign by multiple in silico algorithms, and/or has population frequency not consistent with disease.